The following is an entry in ClinVar:

NM_004656.4(BAP1):c.139A>G (p.Ile47Val)

Gene: BAP1 (BRCA1 associated deubiquitinase 1; minus strand). Cytogenetic location: 3p21.1.
Variant type: single nucleotide variant.
Coding change: c.139A>G on transcript NM_004656.4 (MANE Select); coding-DNA position 139, A replaced by G.
Protein change: p.Ile47Val; replaces isoleucine 47 with valine.
Molecular consequence: missense variant.
Genome position (GRCh38, 1-based): chr3:52,408,590, T>C on the plus strand (A>G on the coding strand, the complement: BAP1 is on the minus strand). VCF-style: chr3-52408590-T-C. GRCh37 (hg19) VCF-style: chr3-52442606-T-C.
Other names: c.139A>G, p.Ile47Val (NM_001410772.1); short protein forms I47V.
Identifiers: ClinVar variation 1771715 (VCV001771715.4), dbSNP rs2153228345, ClinGen allele CA353113718.
Genomic context (GRCh38, chr3:52,408,590, plus strand): 5'-CCACCAAGGTAGAGACCTTTCGCCGGGACCGGCGCTCTTCGATCCATTTGAACAGGAAGA[T>C]AAATCCATATACAGGGCTGGGGGAAGTAAGGGGCAGAGCCAGATCAGCCAAAGGGGAGAA-3'
Protein context (NP_004647.1, residues 37-57): SKCQGPVYGF[Ile47Val]FLFKWIEERR

ClinVar aggregate classification (germline): Conflicting classifications of pathogenicity. Review status: criteria provided, conflicting classifications (1 of 4 stars). 2 submissions from 2 submitters: Uncertain significance (1); Benign (1). Last evaluated 2025-05-28.

Conditions:
Hereditary cancer-predisposing syndrome. Also called: Hereditary Cancer Syndrome; Hereditary neoplastic syndrome; Neoplastic Syndromes, Hereditary; Tumor predisposition. Identifiers: Orphanet 140162, MedGen C0027672, MeSH D009386, MONDO:0015356.
BAP1-related tumor predisposition syndrome (TPDS1). Also called: COMMON Syndrome; TUMOR PREDISPOSITION SYNDROME 1; BAP1 tumor predisposition syndrome; Tumor susceptibility linked to germline BAP1 mutations. Identifiers: Orphanet 289539, MedGen C3280492, MONDO:0013692, OMIM 614327.

Allele frequency attached by ClinVar (database versions not stated): gnomAD exomes below 0.00001.

Submissions (2):

Labcorp Genetics (formerly Invitae), Labcorp
Classification: Uncertain significance for BAP1-related tumor predisposition syndrome. Last evaluated: 2025-05-28. Review status: criteria provided, single submitter. Criteria: Invitae Variant Classification Sherloc (09022015). Collection method: clinical testing. Allele origin: germline.
Comment: This sequence change replaces isoleucine, which is neutral and non-polar, with valine, which is neutral and non-polar, at codon 47 of the BAP1 protein (p.Ile47Val). This variant is not present in population databases (gnomAD no frequency). This variant has not been reported in the literature in individuals affected with BAP1-related conditions. ClinVar contains an entry for this variant (Variation ID: 1771715). Invitae Evidence Modeling of protein sequence and biophysical properties (such as structural, functional, and spatial information, amino acid conservation, physicochemical variation, residue mobility, and thermodynamic stability) indicates that this missense variant is not expected to disrupt BAP1 protein function with a negative predictive value of 80%. In summary, the available evidence is currently insufficient to determine the role of this variant in disease. Therefore, it has been classified as a Variant of Uncertain Significance.

Ambry Genetics
Classification: Benign for Hereditary cancer-predisposing syndrome. Last evaluated: 2025-01-14. Review status: criteria provided, single submitter. Criteria: Ambry Variant Classification Scheme 2023. Collection method: clinical testing. Allele origin: germline.

Literature cited by the submitters: PubMed 38969833 (cited by Ambry Genetics).